The following is an entry in ClinVar:

NM_000051.4(ATM):c.8293G>T (p.Gly2765Cys)

Genes: ATM (ATM serine/threonine kinase; plus strand), C11orf65 (chromosome 11 open reading frame 65; minus strand). Cytogenetic location: 11q22.3.
Variant type: single nucleotide variant.
Coding change: c.8293G>T on transcript NM_000051.4 (MANE Select); coding-DNA position 8293, G replaced by T.
Protein change: p.Gly2765Cys; replaces glycine 2765 with cysteine.
Molecular consequence: missense variant. On other transcripts: intron variant (2).
Genome position (GRCh38, 1-based): chr11:108,343,246, G>T. VCF-style: chr11-108343246-G-T. GRCh37 (hg19) VCF-style: chr11-108213973-G-T.
Other names: c.8293G>T, p.Gly2765Cys (NM_001351834.2); c.641-34175C>A (NM_001330368.2); c.695-7954C>A (NM_001351110.2); short protein forms G2765C.
Identifiers: ClinVar variation 1490830 (VCV001490830.7), dbSNP rs748634900, ClinGen allele CA382516328.
Genomic context (GRCh38, chr11:108,343,246, plus strand): 5'-TTTTAAAATTAAAAGGTATTTAATCTGTAACTCCAGGTGGTTCCCCTCTCTCAGCGAAGT[G>T]GTGTTCTTGAATGGTGCACAGGAACTGTCCCCATTGGTGAATTTCTTGTTAACAATGAAG-3'
Protein context (NP_000042.3, residues 2755-2775): YKVVPLSQRS[Gly2765Cys]VLEWCTGTVP

ClinVar aggregate classification (germline): Uncertain significance (1 of 4 stars; one submission).

Conditions:
Ataxia-telangiectasia syndrome (AT). Also called: LOUIS-BAR SYNDROME; Cerebello-oculocutaneous telangiectasia; Immunodeficiency with ataxia telangiectasia; Ataxia telangiectasia (A-T); Ataxia-telangiectasia, complementation group D; AT, COMPLEMENTATION GROUP C. Identifiers: Orphanet 100, MedGen C0004135, MONDO:0008840, OMIM 208900.

gnomAD v4.1: 1 of 1,613,958 alleles (0.000062%); highest among the groups gnomAD compares: Non-Finnish European, 0.000085%; no homozygotes.

Submission:

Labcorp Genetics (formerly Invitae), Labcorp
Classification: Uncertain significance for Ataxia-telangiectasia syndrome. Last evaluated: 2024-07-26. Review status: criteria provided, single submitter. Criteria: Invitae Variant Classification Sherloc (09022015). Collection method: clinical testing. Allele origin: germline.
Comment: This sequence change replaces glycine, which is neutral and non-polar, with cysteine, which is neutral and slightly polar, at codon 2765 of the ATM protein (p.Gly2765Cys). This variant is not present in population databases (gnomAD no frequency). This variant has not been reported in the literature in individuals affected with ATM-related conditions. ClinVar contains an entry for this variant (Variation ID: 1490830). An algorithm developed to predict the effect of missense changes on protein structure and function (PolyPhen-2) suggests that this variant is likely to be disruptive. This variant disrupts the p.Gly2765 amino acid residue in ATM. Other variant(s) that disrupt this residue have been determined to be pathogenic (PMID: 10534763, 19431188, 19781682, 21792198). This suggests that this residue is clinically significant, and that variants that disrupt this residue are likely to be disease-causing. In summary, the available evidence is currently insufficient to determine the role of this variant in disease. Therefore, it has been classified as a Variant of Uncertain Significance.

Literature cited by the submitters: PubMed 10534763; PubMed 19431188; PubMed 19781682; PubMed 21792198.